The following is an entry in ClinVar:

NM_000059.4(BRCA2):c.1615G>C (p.Gly539Arg)

Gene: BRCA2 (BRCA2 DNA repair associated; plus strand). Cytogenetic location: 13q13.1.
Variant type: single nucleotide variant.
Coding change: c.1615G>C on transcript NM_000059.4 (MANE Select); coding-DNA position 1615, G replaced by C.
Protein change: p.Gly539Arg; replaces glycine 539 with arginine.
Molecular consequence: missense variant. On other transcripts: non-coding transcript variant (1), intron variant (1).
Genome position (GRCh38, 1-based): chr13:32,333,093, G>C. VCF-style: chr13-32333093-G-C. GRCh37 (hg19) VCF-style: chr13-32907230-G-C.
Other names: c.1615G>C, p.Gly539Arg (NM_001406719.1, NM_001406720.1, NM_001406721.1 and 1 more transcripts); c.424+2063G>C (NM_001406722.1); short protein forms G539R.
Identifiers: ClinVar variation 4756158 (VCV004756158.1).

ClinVar aggregate classification (germline): Uncertain significance (1 of 4 stars; one submission).

Conditions:
Hereditary cancer-predisposing syndrome. Also called: Tumor predisposition; Hereditary Cancer Syndrome; Neoplastic Syndromes, Hereditary; Hereditary neoplastic syndrome. Identifiers: Orphanet 140162, MedGen C0027672, MeSH D009386, MONDO:0015356.

Submission:

Color Diagnostics, LLC DBA Color Health
Classification: Uncertain significance for Hereditary cancer-predisposing syndrome. Last evaluated: 2025-08-15. Review status: criteria provided, single submitter. Criteria: ACMG Guidelines, 2015. Collection method: clinical testing. Allele origin: germline.
Comment: This missense variant replaces glycine with arginine at codon 539 of the BRCA2 protein. Computational prediction suggests that this variant may not impact protein structure and function. To our knowledge, functional studies have not been reported for this variant. This variant has not been reported in individuals affected with BRCA2-related disorders in the literature. This variant has not been identified in the general population by the Genome Aggregation Database (gnomAD). The available evidence is insufficient to determine the role of this variant in disease conclusively. Therefore, this variant is classified as a Variant of Uncertain Significance.